The following is an entry in ClinVar:

NM_000540.3(RYR1):c.1729A>C (p.Ile577Leu)

Gene: RYR1 (ryanodine receptor 1; plus strand). Cytogenetic location: 19q13.2.
Variant type: single nucleotide variant.
Coding change: c.1729A>C on transcript NM_000540.3 (MANE Select); coding-DNA position 1729, A replaced by C.
Protein change: p.Ile577Leu; replaces isoleucine 577 with leucine.
Molecular consequence: missense variant.
Genome position (GRCh38, 1-based): chr19:38,455,689, A>C. VCF-style: chr19-38455689-A-C. GRCh37 (hg19) VCF-style: chr19-38946329-A-C.
Other names: c.1729A>C, p.Ile577Leu (NM_001042723.2); short protein forms I577L.
Identifiers: ClinVar variation 2715513 (VCV002715513.3), dbSNP rs2514028028, ClinGen allele CA405691332.
Genomic context (GRCh38, chr19:38,455,689, plus strand): 5'-GCAGGCATCCTGGAGGTCCTGTACTGTGTCCTCATTGAGAGTCCAGAGGTTCTGAACATC[A>C]TCCAGGAGAATCACATCAAGTCCATCATCTCCCTCCTGGACAAGCATGGGAGGAACCACA-3'
Protein context (NP_000531.2, residues 567-587): LIESPEVLNI[Ile577Leu]QENHIKSIIS

ClinVar aggregate classification (germline): Uncertain significance (1 of 4 stars; one submission).

Conditions:
RYR1-related disorder. Also called: RYR1-related condition; RYR1-related disorders. Identifiers: MedGen CN239331.

Submission:

Labcorp Genetics (formerly Invitae), Labcorp
Classification: Uncertain significance for RYR1-related disorder. Last evaluated: 2023-08-16. Review status: criteria provided, single submitter. Criteria: Invitae Variant Classification Sherloc (09022015). Collection method: clinical testing. Allele origin: germline.
Comment: Advanced modeling of protein sequence and biophysical properties (such as structural, functional, and spatial information, amino acid conservation, physicochemical variation, residue mobility, and thermodynamic stability) has been performed at Invitae for this missense variant, however the output from this modeling did not meet the statistical confidence thresholds required to predict the impact of this variant on RYR1 protein function. In summary, the available evidence is currently insufficient to determine the role of this variant in disease. Therefore, it has been classified as a Variant of Uncertain Significance. This variant has not been reported in the literature in individuals affected with RYR1-related conditions. This variant is not present in population databases (gnomAD no frequency). This sequence change replaces isoleucine, which is neutral and non-polar, with leucine, which is neutral and non-polar, at codon 577 of the RYR1 protein (p.Ile577Leu).